The following is an entry in ClinVar:

ClinVar aggregate classification (germline): Pathogenic (1 of 4 stars; one submission).

Conditions:
Kabuki syndrome. Also called: NIIKAWA-KUROKI SYNDROME; Kabuki make-up syndrome. Identifiers: Orphanet 2322, MedGen C0796004, MONDO:0016512.

Submission:

Labcorp Genetics (formerly Invitae), Labcorp
Classification: Pathogenic for Kabuki syndrome. Last evaluated: 2017-06-16. Review status: criteria provided, single submitter. Criteria: Invitae Variant Classification Sherloc (09022015). Collection method: clinical testing. Allele origin: germline.
Comment: For these reasons, this variant has been classified as Pathogenic. Loss-of-function variants in KMT2D are known to be pathogenic (PMID: 22126750). This variant has not been reported in the literature in individuals with a KMT2D-related disease. This variant is not present in population databases (ExAC no frequency). This sequence change creates a premature translational stop signal (p.Gln4007*) in the KMT2D gene. It is expected to result in an absent or disrupted protein product.

Literature cited by the submitters: PubMed 22126750.

NM_003482.4(KMT2D):c.12019C>T (p.Gln4007Ter)

Gene: KMT2D (lysine methyltransferase 2D; minus strand). Cytogenetic location: 12q13.12.
Variant type: single nucleotide variant.
Coding change: c.12019C>T on transcript NM_003482.4 (MANE Select); coding-DNA position 12019, C replaced by T.
Protein change: p.Gln4007Ter; replaces glutamine 4007 with a stop codon.
Molecular consequence: nonsense.
Genome position (GRCh38, 1-based): chr12:49,032,686, G>A on the plus strand (C>T on the coding strand, the complement: KMT2D is on the minus strand). VCF-style: chr12-49032686-G-A. GRCh37 (hg19) VCF-style: chr12-49426469-G-A.
Other names: short protein forms Q4007*.
Identifiers: ClinVar variation 463003 (VCV000463003.6), dbSNP rs188017299, ClinGen allele CA384713293.